The following is an entry in ClinVar:

NM_001035.3(RYR2):c.11342T>G (p.Leu3781Arg)

Gene: RYR2 (ryanodine receptor 2; plus strand). Cytogenetic location: 1q43.
Variant type: single nucleotide variant.
Coding change: c.11342T>G on transcript NM_001035.3 (MANE Select); coding-DNA position 11342, T replaced by G.
Protein change: p.Leu3781Arg; replaces leucine 3781 with arginine.
Molecular consequence: missense variant.
Genome position (GRCh38, 1-based): chr1:237,759,792, T>G. VCF-style: chr1-237759792-T-G. GRCh37 (hg19) VCF-style: chr1-237923092-T-G.
Other names: c.11342T>G, p.Leu3781Arg (LRG_402t1); short protein forms L3781R.
Identifiers: ClinVar variation 546492 (VCV000546492.2), dbSNP rs1553313411, ClinGen allele CA345428473.

ClinVar aggregate classification (germline): Uncertain significance (1 of 4 stars; one submission).

Submission:

GeneDx
Classification: Uncertain significance. Last evaluated: 2018-05-24. Review status: criteria provided, single submitter. Criteria: GeneDx Variant Classification (06012015). Collection method: clinical testing. Allele origin: germline. Affected: yes.
Comment: A variant of uncertain significance has been identified in the RYR2 gene. The L3781R variant has not been published as pathogenic or been reported as benign to our knowledge. This variant is also not observed in large population cohorts (Lek et al., 2016). The L3781R variant is a non-conservative amino acid substitution, which is likely to impact secondary protein structure as these residues differ in polarity, charge, size and/or other properties. In-silico analyses, including protein predictors and evolutionary conservation, support a deleterious effect. Furthermore, L3781R is located in one of the three hot-spot regions of the RYR2 gene, where the majority of pathogenic missense variants occur (Medeiros-Domingo et al., 2009). Nevertheless, this variant has not been observed in a significant number of affected individuals, and it lacks both segregation and functional studies which would further clarify its pathogenicity.